The following is an entry in ClinVar:

NM_201384.3(PLEC):c.1138C>T (p.Arg380Trp)

Gene: PLEC (plectin; minus strand). Cytogenetic location: 8q24.3.
Variant type: single nucleotide variant.
Coding change: c.1138C>T on transcript NM_201384.3 (MANE Select); coding-DNA position 1138, C replaced by T.
Protein change: p.Arg380Trp; replaces arginine 380 with tryptophan.
Molecular consequence: missense variant.
Genome position (GRCh38, 1-based): chr8:143,934,349, G>A on the plus strand (C>T on the coding strand, the complement: PLEC is on the minus strand). VCF-style: chr8-143934349-G-A. GRCh37 (hg19) VCF-style: chr8-145008517-G-A.
Other names: c.1219C>T, p.Arg407Trp (NM_000445.5, NM_001410941.1); c.1096C>T, p.Arg366Trp (NM_201378.4); c.1072C>T, p.Arg358Trp (NM_201379.3); c.1549C>T, p.Arg517Trp (NM_201380.4); c.1042C>T, p.Arg348Trp (NM_201381.3); c.1138C>T, p.Arg380Trp (NM_201382.4); c.1150C>T, p.Arg384Trp (NM_201383.3); c.1219C>T (NM_000445.4); short protein forms R358W, R517W, R348W, R380W, R384W, R407W, R366W.
Identifiers: ClinVar variation 2079612 (VCV002079612.9), dbSNP rs782271562, ClinGen allele CA4928160.
Genomic context (GRCh38, chr8:143,934,349, plus strand): 5'-TTCCCCTGCCACCACAGGGCCCCACCCACCTCTCAAACTCGCTGCGGAGCTGCTTCTCCC[G>A]CTCCAGGATGGCCACGTGCAGCTTGCCCCACTCCTTCTCCACATCCAGCGGGTGGTAGCC-3'
Protein context (NP_958786.1, residues 370-390): WGKLHVAILE[Arg380Trp]EKQLRSEFER

ClinVar aggregate classification (germline): Uncertain significance. Review status: criteria provided, multiple submitters, no conflicts (2 of 4 stars). 4 submissions from 4 submitters: Uncertain significance (4). Last evaluated 2026-04-17.

Conditions:
PLEC-related disorder. Also called: PLEC-related condition; PLEC-related disorders.
Epidermolysis bullosa simplex, Ogna type (EBS5A). Also called: EPIDERMOLYSIS BULLOSA SIMPLEX 5A, OGNA TYPE; Pidermolysis bullosa simplex 5A, Ogna type. Identifiers: Orphanet 79401, MedGen C0432317, MONDO:0007555, OMIM 131950.
Epidermolysis bullosa simplex 5C, with pyloric atresia (EBS5C). Also called: PLEC1-Related Epidermolysis Bullosa with Pyloric Atresia; PLEC-Related Epidermolysis Bullosa with Pyloric Atresia; Epidermolysis bullosa simplex with pyloric atresia. Identifiers: Orphanet 158684, MedGen C2677349, MONDO:0012807, OMIM 612138.
Autosomal recessive limb-girdle muscular dystrophy type 2Q (LGMDR17). Also called: MUSCULAR DYSTROPHY, LIMB-GIRDLE, AUTOSOMAL RECESSIVE 17. Identifiers: Orphanet 254361, MedGen C3150989, MONDO:0013390, OMIM 613723.
Epidermolysis bullosa simplex 5B, with muscular dystrophy (EBS5B). Also called: EPIDERMOLYSIS BULLOSA SIMPLEX AND LIMB-GIRDLE MUSCULAR DYSTROPHY; Epidermolysis bullosa simplex with muscular dystrophy. Identifiers: Orphanet 257, MedGen C2931072, MONDO:0009181, OMIM 226670.
Epidermolysis bullosa simplex with nail dystrophy (EBS5D). Identifiers: MedGen C4225309, MONDO:0014661, OMIM 616487.
Inborn genetic diseases. Identifiers: MedGen C0950123, MeSH D030342.

Allele frequency attached by ClinVar (database versions not stated): ExAC 0.00001; gnomAD 0.00001.
gnomAD v4.1: 7 of 1,612,408 alleles (0.00043%); highest among the groups gnomAD compares: African/African-American, 0.0027%; no homozygotes.

Submissions (4):

PreventionGenetics, part of Exact Sciences
Classification: Uncertain significance for PLEC-related condition. Last evaluated: 2026-04-17. Review status: criteria provided, single submitter. Criteria: ACMG Guidelines, 2015. Collection method: clinical testing. Allele origin: germline.
Comment: The PLEC c.1219C>T variant is predicted to result in the amino acid substitution p.Arg407Trp. To our knowledge, this variant has not been reported in the literature. This variant is reported in 0.0065% of alleles in individuals of African descent in gnomAD. At this time, the clinical significance of this variant is uncertain due to the absence of conclusive functional and genetic evidence.

Labcorp Genetics (formerly Invitae), Labcorp
Classification: Uncertain significance for Autosomal recessive limb-girdle muscular dystrophy type 2Q; Epidermolysis bullosa simplex, Ogna type; Epidermolysis bullosa simplex with nail dystrophy; Epidermolysis bullosa simplex 5C, with pyloric atresia; Epidermolysis bullosa simplex 5B, with muscular dystrophy. Last evaluated: 2025-10-26. Review status: criteria provided, single submitter. Criteria: Invitae Variant Classification Sherloc (09022015). Collection method: clinical testing. Allele origin: germline.
Comment: This sequence change replaces arginine, which is basic and polar, with tryptophan, which is neutral and slightly polar, at codon 407 of the PLEC protein (p.Arg407Trp). This variant is present in population databases (rs782271562, gnomAD 0.007%). This variant has not been reported in the literature in individuals affected with PLEC-related conditions. ClinVar contains an entry for this variant (Variation ID: 2079612). Invitae Evidence Modeling of protein sequence and biophysical properties (such as structural, functional, and spatial information, amino acid conservation, physicochemical variation, residue mobility, and thermodynamic stability) has been performed for this missense variant. However, the output from this modeling did not meet the statistical confidence thresholds required to predict the impact of this variant on PLEC protein function. In summary, the available evidence is currently insufficient to determine the role of this variant in disease. Therefore, it has been classified as a Variant of Uncertain Significance.

Revvity Omics, Revvity
Classification: Uncertain significance. Last evaluated: 2023-01-11. Review status: criteria provided, single submitter. Criteria: ACMG Guidelines, 2015. Collection method: clinical testing. Allele origin: germline.

Ambry Genetics
Classification: Uncertain significance for Inborn genetic diseases. Last evaluated: 2022-12-01. Review status: criteria provided, single submitter. Criteria: Ambry Variant Classification Scheme 2023. Collection method: clinical testing. Allele origin: germline.